The following is an entry in ClinVar:

ClinVar aggregate classification (germline): Conflicting classifications of pathogenicity. Review status: criteria provided, conflicting classifications (1 of 4 stars). 3 submissions from 3 submitters: Uncertain significance (2); Likely benign (1). Last evaluated 2025-08-19.

Conditions:
Arrhythmogenic cardiomyopathy with wooly hair and keratoderma. Also called: PALMOPLANTAR KERATODERMA WITH LEFT VENTRICULAR CARDIOMYOPATHY AND WOOLLY HAIR; Carvajal syndrome; Dilated cardiomyopathy with woolly hair and keratoderma; Arrhythmogenic cardiomyopathy with woolly hair and keratoderma. Identifiers: Orphanet 65282, MedGen C1854063, MONDO:0011581, OMIM 605676.
Cardiomyopathy (CMYO). Also called: Cardiomyopathies. Identifiers: Orphanet 167848, MedGen C0878544, MONDO:0004994, HP:0001638. Inheritance: Various modes of inheritance.
Arrhythmogenic right ventricular dysplasia 8 (ARVD8). Also called: Arrhythmogenic Right Ventricular Dysplasia/Cardiomyopathy 8; ARRHYTHMOGENIC RIGHT VENTRICULAR DYSPLASIA, FAMILIAL, 8; ARRHYTHMOGENIC RIGHT VENTRICULAR CARDIOMYOPATHY 8. Identifiers: MedGen C1843896, MONDO:0011831, OMIM 607450.

Allele frequency attached by ClinVar (database versions not stated): gnomAD exomes below 0.00001 and 0.00002; ExAC 0.00002; gnomAD 0.00002; TOPMed 0.00003.
gnomAD v4.1: 10 of 1,614,030 alleles (0.00062%); highest among the groups gnomAD compares: East Asian, 0.022%; no homozygotes.

Submissions (3):

Labcorp Genetics (formerly Invitae), Labcorp
Classification: Likely benign for Arrhythmogenic cardiomyopathy with wooly hair and keratoderma; Arrhythmogenic right ventricular dysplasia 8. Last evaluated: 2025-08-19. Review status: criteria provided, single submitter. Criteria: Invitae Variant Classification Sherloc (09022015). Collection method: clinical testing. Allele origin: germline.

Color Diagnostics, LLC DBA Color Health
Classification: Uncertain significance for Cardiomyopathy. Last evaluated: 2024-03-06. Review status: criteria provided, single submitter. Criteria: ACMG Guidelines, 2015. Collection method: clinical testing. Allele origin: germline.
Comment: This missense variant replaces glutamine with glutamic acid at codon 2682 of the DSP protein. Computational prediction tool suggests that this variant may not impact protein structure and function (internally defined REVEL score threshold <=0.5, PMID: 27666373). Splice site prediction tools suggest that this variant may not impact RNA splicing. To our knowledge, functional studies have not been performed for this variant. This variant has not been reported in individuals affected with cardiovascular disorders in the literature. This variant has been identified in 6/282548 chromosomes in the general population by the Genome Aggregation Database (gnomAD). The available evidence is insufficient to determine the role of this variant in disease conclusively. Therefore, this variant is classified as a Variant of Uncertain Significance.

All of Us Research Program, National Institutes of Health
Classification: Uncertain significance for Arrhythmogenic cardiomyopathy with wooly hair and keratoderma. Last evaluated: 2023-06-26. Review status: criteria provided, single submitter. Criteria: ACMG Guidelines, 2015. Collection method: clinical testing. Allele origin: germline. Inheritance: Autosomal dominant inheritance. Observed: 1 variant allele, 1 heterozygote.
Comment: This missense variant replaces glutamine with glutamic acid at codon 2682 of the DSP protein. Computational prediction tool suggests that this variant may not impact protein structure and function (internally defined REVEL score threshold <=0.5, PMID: 27666373). Splice site prediction tools suggest that this variant may not impact RNA splicing. To our knowledge, functional studies have not been performed for this variant. This variant has not been reported in individuals affected with cardiovascular disorders in the literature. This variant has been identified in 6/282548 chromosomes in the general population by the Genome Aggregation Database (gnomAD). The available evidence is insufficient to determine the role of this variant in disease conclusively. Therefore, this variant is classified as a Variant of Uncertain Significance.

This study involves interpretation of variants in research participants for the purpose of population health screening. Participant phenotype was not available at the time of variant classification. Additional details can be found in publication PMID: 35346344, PMCID: PMC8962531

NM_004415.4(DSP):c.8044C>G (p.Gln2682Glu)

Gene: DSP (desmoplakin; plus strand). Cytogenetic location: 6p24.3.
Variant type: single nucleotide variant.
Coding change: c.8044C>G on transcript NM_004415.4 (MANE Select); coding-DNA position 8044, C replaced by G.
Protein change: p.Gln2682Glu; replaces glutamine 2682 with glutamic acid.
Molecular consequence: missense variant.
Genome position (GRCh38, 1-based): chr6:7,585,306, C>G. VCF-style: chr6-7585306-C-G. GRCh37 (hg19) VCF-style: chr6-7585539-C-G.
Other names: c.6247C>G, p.Gln2083Glu (NM_001008844.3); c.6715C>G, p.Gln2239Glu (NM_001319034.2); short protein forms Q2083E, Q2239E, Q2682E.
Identifiers: ClinVar variation 919152 (VCV000919152.15), dbSNP rs772365921, ClinGen allele CA051451.